The following is an entry in ClinVar:

ClinVar aggregate classification (germline): Uncertain significance. Review status: criteria provided, multiple submitters, no conflicts (2 of 4 stars). 2 submissions from 2 submitters: Uncertain significance (2). Last evaluated 2023-12-15.

Conditions:
Inborn genetic diseases. Identifiers: MedGen C0950123, MeSH D030342.
Hereditary spastic paraplegia 31. Also called: SPASTIC PARAPLEGIA 31, AUTOSOMAL DOMINANT. Identifiers: Orphanet 101011, MedGen C1853247, MONDO:0012453, OMIM 610250.

Allele frequency attached by ClinVar (database versions not stated): gnomAD 0.00002.
gnomAD v4.1: 13 of 1,611,966 alleles (0.00081%); highest among the groups gnomAD compares: East Asian, 0.0067%; no homozygotes.

Submissions (2):

Ambry Genetics
Classification: Uncertain significance for Inborn genetic diseases. Last evaluated: 2023-12-15. Review status: criteria provided, single submitter. Criteria: Ambry Variant Classification Scheme 2023. Collection method: clinical testing. Allele origin: germline.

Labcorp Genetics (formerly Invitae), Labcorp
Classification: Uncertain significance for Hereditary spastic paraplegia 31. Last evaluated: 2023-04-25. Review status: criteria provided, single submitter. Criteria: Invitae Variant Classification Sherloc (09022015). Collection method: clinical testing. Allele origin: germline.
Comment: An algorithm developed to predict the effect of missense changes on protein structure and function (PolyPhen-2) suggests that this variant is likely to be disruptive. This variant has not been reported in the literature in individuals affected with REEP1-related conditions. The frequency data for this variant in the population databases is considered unreliable, as metrics indicate poor data quality at this position in the gnomAD database. This sequence change replaces arginine, which is basic and polar, with glutamine, which is neutral and polar, at codon 177 of the REEP1 protein (p.Arg177Gln). In summary, the available evidence is currently insufficient to determine the role of this variant in disease. Therefore, it has been classified as a Variant of Uncertain Significance.

NM_001371279.1(REEP1):c.530G>A (p.Arg177Gln)

Gene: REEP1 (receptor accessory protein 1; minus strand). Cytogenetic location: 2p11.2.
Variant type: single nucleotide variant.
Coding change: c.530G>A on transcript NM_001371279.1 (MANE Select); coding-DNA position 530, G replaced by A.
Protein change: p.Arg177Gln; replaces arginine 177 with glutamine.
Molecular consequence: missense variant. On other transcripts: intron variant (1).
Genome position (GRCh38, 1-based): chr2:86,232,690, C>T on the plus strand (G>A on the coding strand, the complement: REEP1 is on the minus strand). VCF-style: chr2-86232690-C-T. GRCh37 (hg19) VCF-style: chr2-86459813-C-T.
Other names: c.551G>A, p.Arg184Gln (NM_001164730.2); c.449G>A, p.Arg150Gln (NM_001164731.2); c.295G>A, p.Gly99Arg (NM_001164732.2); c.530G>A, p.Arg177Gln (NM_001410855.1, NM_001410856.1, NM_022912.3); c.418-15580G>A (NM_001371280.1); short protein forms R184Q, G99R, R150Q, R177Q.
Identifiers: ClinVar variation 2733934 (VCV002733934.4), dbSNP rs1333042512, ClinGen allele CA347547250.